The following is an entry in ClinVar:

ClinVar aggregate classification (germline): Likely benign (1 of 4 stars; one submission).

Allele frequency attached by ClinVar (database versions not stated): ExAC 0.00003; TOPMed 0.00005.
gnomAD v4.1: 95 of 1,614,046 alleles (0.0059%); highest among the groups gnomAD compares: Non-Finnish European, 0.0075%; no homozygotes.

Submission:

CeGaT Center for Human Genetics Tuebingen
Classification: Likely benign. Last evaluated: 2026-09-01. Review status: criteria provided, single submitter. Criteria: CeGaT Center For Human Genetics Tuebingen Variant Classification Criteria Version 2. Collection method: clinical testing. Allele origin: germline. Affected: yes. Observed: 2 variant alleles.
Comment: CHD3: BP4, BP7

NM_001005273.3(CHD3):c.2271C>T (p.Thr757=)

Gene: CHD3 (chromodomain helicase DNA binding protein 3; plus strand). Cytogenetic location: 17p13.1.
Variant type: single nucleotide variant.
Coding change: c.2271C>T on transcript NM_001005273.3 (MANE Select); coding-DNA position 2271, C replaced by T.
Protein change: p.Thr757=; no amino-acid change (threonine 757 retained).
Molecular consequence: synonymous variant.
Genome position (GRCh38, 1-based): chr17:7,899,130, C>T. VCF-style: chr17-7899130-C-T. GRCh37 (hg19) VCF-style: chr17-7802448-C-T.
Other names: c.2448C>T, p.Thr816= (NM_001005271.3); c.2271C>T, p.Thr757= (NM_005852.4).
Identifiers: ClinVar variation 3025230 (VCV003025230.22), dbSNP rs752621737, ClinGen allele CA8362844.